The following is an entry in ClinVar:

NM_000540.3(RYR1):c.12951G>A (p.Val4317=)

Gene: RYR1 (ryanodine receptor 1; plus strand). Cytogenetic location: 19q13.2.
Variant type: single nucleotide variant.
Coding change: c.12951G>A on transcript NM_000540.3 (MANE Select); coding-DNA position 12951, G replaced by A.
Protein change: p.Val4317=; no amino-acid change (valine 4317 retained).
Molecular consequence: synonymous variant.
Genome position (GRCh38, 1-based): chr19:38,565,285, G>A. VCF-style: chr19-38565285-G-A. GRCh37 (hg19) VCF-style: chr19-39055925-G-A.
Other names: c.12936G>A, p.Val4312= (NM_001042723.2).
Identifiers: ClinVar variation 702926 (VCV000702926.12), dbSNP rs957481378, ClinGen allele CA308109406.

ClinVar aggregate classification (germline): Conflicting classifications of pathogenicity. Review status: criteria provided, conflicting classifications (1 of 4 stars). 3 submissions from 3 submitters: Uncertain significance (1); Likely benign (2). Last evaluated 2024-11-11.

Conditions:
RYR1-related disorder. Also called: RYR1-related disorders; RYR1-related condition. Identifiers: MedGen CN239331.

Allele frequency attached by ClinVar (database versions not stated): gnomAD 0.00001; gnomAD exomes 0.00001; TOPMed 0.00001.

Submissions (3):

Labcorp Genetics (formerly Invitae), Labcorp
Classification: Likely benign for RYR1-related disorder. Last evaluated: 2024-11-11. Review status: criteria provided, single submitter. Criteria: Invitae Variant Classification Sherloc (09022015). Collection method: clinical testing. Allele origin: germline.

Blueprint Genetics
Classification: Likely benign. Last evaluated: 2024-02-16. Review status: criteria provided, single submitter. Criteria: ACMG Guidelines, 2015. Collection method: clinical testing. Allele origin: germline.

GeneDx
Classification: Uncertain significance. Last evaluated: 2022-07-22. Review status: criteria provided, single submitter. Criteria: GeneDx Variant Classification Process June 2021. Collection method: clinical testing. Allele origin: germline. Affected: yes.
Comment: Not observed at significant frequency in large population cohorts (gnomAD); In silico analysis supports that this variant does not alter splicing; Has not been previously published as pathogenic or benign to our knowledge